The following is an entry in ClinVar:

GRCh37/hg19 1q41(chr1:214853277-222111742)x1

Genes: BPNT1 (3'(2'), 5'-bisphosphate nucleotidase 1; minus strand), C1orf115 (chromosome 1 open reading frame 115; plus strand), DUSP10 (dual specificity phosphatase 10; minus strand), EPRS1 (glutamyl-prolyl-tRNA synthetase 1; minus strand), ESRRG (estrogen related receptor gamma; minus strand) and 17 more. Cytogenetic location: 1q41.
Variant type: copy number loss.
Change: copy number 1 (one copy instead of two) of chr1:214,853,277-222,111,742 (7.26 Mb, GRCh37 coordinates, 1-based), cytogenetic band 1q41.
Identifiers: ClinVar variation 2685821 (VCV002685821.1).

ClinVar aggregate classification (germline): Pathogenic (1 of 4 stars; one submission).

Submission:

Quest Diagnostics Nichols Institute San Juan Capistrano
Classification: Pathogenic. Last evaluated: 2023-02-01. Review status: criteria provided, single submitter. Criteria: ACMG/ClinGen CNV Guidelines, 2019. Collection method: clinical testing. Allele origin: unknown.
Comment: Overlapping 1q41 deletions have been reported in multiple patients with Loys-Dietz syndrome type 4 (OMIM 614816, Fontana 2014, Fry 2022, Gaspar 2017, Lindsay 2012, Nistri 2021, Schepers 2018). There are no similar copy number losses of this region in the general populations of the Database of Genomic Variants (DGV). Therefore, based on current medical literature, this copy number variant (CNV) is classified as pathogenic._x000D__x000D_ References:_x000D__x000D_ Fontana et al., Gene. 2014 Mar 15;538(1):69-73. PMID: 24440784_x000D__x000D_ Fry et al., Am J Med Genet A. 2022 Jul;188(7):2237-2241. PMID: 35426477_x000D__x000D_ Gaspar et al., Am J Med Genet A. 2017 Aug;173(8):2289-2292. PMID: 28544325_x000D__x000D_ Lindsay et al., Nat Genet. 2012 Jul 8;44(8):922-7. PMID: 22772368_x000D__x000D_ Nistri et al., Genes (Basel). 2021 Sep 22;12(10):1462. PMID: 34680857_x000D__x000D_ Schepers et al., Hum Mutat. 2018 May;39(5):621-634. PMID: 29392890